The following is an entry in ClinVar:

NM_006348.5(COG5):c.417+21C>T

Gene: COG5 (component of oligomeric golgi complex 5; minus strand). Cytogenetic location: 7q22.3.
Variant type: single nucleotide variant.
Coding change: c.417+21C>T on transcript NM_006348.5 (MANE Select); 21 bases into the intron after coding-DNA position 417, C replaced by T.
Molecular consequence: intron variant.
Genome position (GRCh38, 1-based): chr7:107,548,090, G>A on the plus strand (C>T on the coding strand, the complement: COG5 is on the minus strand). VCF-style: chr7-107548090-G-A. GRCh37 (hg19) VCF-style: chr7-107188535-G-A.
Other names: c.234+9886C>T (NM_001379516.1); c.417+21C>T (NM_001379515.1, NM_001379511.1, NM_001379512.1 and 4 more transcripts).
Identifiers: ClinVar variation 1691184 (VCV001691184.2), dbSNP rs138216003, ClinGen allele CA4431399.

ClinVar aggregate classification (germline): Likely benign (1 of 4 stars; one submission).

Allele frequency attached by ClinVar (database versions not stated): gnomAD exomes 0.00052; ESP Exome Variant Server 0.00400; gnomAD 0.00563 and 0.00597; TOPMed 0.00622; 1000 Genomes Project 0.00819; 1000 Genomes Project 30x 0.00843.
gnomAD v4.1: 1,614 of 1,593,732 alleles (0.1%); highest among the groups gnomAD compares: African/African-American, 2%; 19 homozygotes.

Submission:

GeneDx
Classification: Likely benign. Last evaluated: 2021-12-01. Review status: criteria provided, single submitter. Criteria: GeneDx Variant Classification Process June 2021. Collection method: clinical testing. Allele origin: germline. Affected: yes.
Comment: See Variant Classification Assertion Criteria.